The following is an entry in ClinVar:

NM_004336.5(BUB1):c.2704C>G (p.Leu902Val)

Gene: BUB1 (BUB1 mitotic checkpoint serine/threonine kinase; minus strand). Cytogenetic location: 2q13.
Variant type: single nucleotide variant.
Coding change: c.2704C>G on transcript NM_004336.5 (MANE Select); coding-DNA position 2704, C replaced by G.
Protein change: p.Leu902Val; replaces leucine 902 with valine.
Molecular consequence: missense variant. On other transcripts: intron variant (1).
Genome position (GRCh38, 1-based): chr2:110,641,386, G>C on the plus strand (C>G on the coding strand, the complement: BUB1 is on the minus strand). VCF-style: chr2-110641386-G-C. GRCh37 (hg19) VCF-style: chr2-111398963-G-C.
Other names: c.2644C>G, p.Leu882Val (NM_001278616.2); c.2626-194C>G (NM_001278617.2); short protein forms L902V, L882V.
Identifiers: ClinVar variation 1794962 (VCV001794962.2), dbSNP rs765608334, ClinGen allele CA1827737.

ClinVar aggregate classification (germline): Uncertain significance (1 of 4 stars; one submission).

Allele frequency attached by ClinVar (database versions not stated): ExAC 0.00001; gnomAD exomes 0.00001; TOPMed 0.00001.
gnomAD v4.1: 3 of 1,614,100 alleles (0.00019%); highest among the groups gnomAD compares: Non-Finnish European, 0.00025%; no homozygotes.

Submission:

Ambry Genetics
Classification: Uncertain significance. Last evaluated: 2022-09-24. Review status: criteria provided, single submitter. Criteria: Ambry Variant Classification Scheme 2023. Collection method: clinical testing. Allele origin: germline.
Comment: The p.L902V variant (also known as c.2704C>G), located in coding exon 22 of the BUB1 gene, results from a C to G substitution at nucleotide position 2704. The leucine at codon 902 is replaced by valine, an amino acid with highly similar properties. This amino acid position is conserved. In addition, the in silico prediction for this alteration is inconclusive. Since supporting evidence is limited at this time, the clinical significance of this alteration remains unclear.